The following is an entry in ClinVar:

ClinVar aggregate classification (germline): Uncertain significance (1 of 4 stars; one submission).

Conditions:
PRPH2-related disorder. Also called: PRPH2-related condition; PRPH2-related disorders. Identifiers: MedGen CN239395.

Submission:

Labcorp Genetics (formerly Invitae), Labcorp
Classification: Uncertain significance for PRPH2-related disorder. Last evaluated: 2019-10-13. Review status: criteria provided, single submitter. Criteria: Invitae Variant Classification Sherloc (09022015). Collection method: clinical testing. Allele origin: germline.
Comment: In summary, the available evidence is currently insufficient to determine the role of this variant in disease. Therefore, it has been classified as a Variant of Uncertain Significance. Experimental studies and prediction algorithms are not available or were not evaluated, and the functional significance of this variant is currently unknown. This variant has not been reported in the literature in individuals with PRPH2-related conditions. This variant is not present in population databases (ExAC no frequency). This variant, c.724_726dup, results in the insertion of 1 amino acid to the PRPH2 protein (p.Glu242dup), but otherwise preserves the integrity of the reading frame.

NM_000322.5(PRPH2):c.721GAG[3] (p.Glu242dup)

Gene: PRPH2 (peripherin 2; minus strand). Cytogenetic location: 6p21.1.
Variant type: Microsatellite.
Coding change: c.721GAG[3] on transcript NM_000322.5 (MANE Select); three copies in a row of the 3-base unit GAG starting at c.721; the reference has two copies in a row; one copy, 3 bases duplicated.
Protein change: p.Glu242dup; duplicates glutamic acid 242.
Molecular consequence: inframe insertion.
Genome position (GRCh38, 1-based): chr6:42,704,467-42,704,469, CTC duplicated on the plus strand (GAG on the coding strand, the reverse complement: PRPH2 is on the minus strand); duplicating any 3 consecutive bases within chr6:42,704,467-42,704,473 gives the same sequence; the position shown is the placement nearest the transcript's 3' end. VCF-style (leftmost placement, unchanged base first): chr6-42704466-G-GCTC. GRCh37 (hg19) VCF-style: chr6-42672204-G-GCTC.
Identifiers: ClinVar variation 941137 (VCV000941137.9), dbSNP rs1800112015, ClinGen allele CA1624170233.